The following is an entry in ClinVar:

ClinVar aggregate classification (germline): Uncertain significance (1 of 4 stars; one submission).

Conditions:
ARHGEF28-related disorder. Also called: ARHGEF28-related condition.

Allele frequency attached by ClinVar (database versions not stated): gnomAD exomes 0.00001; gnomAD 0.00002; TOPMed 0.00002; ExAC 0.00003.
gnomAD v4.1: 21 of 1,612,644 alleles (0.0013%); highest among the groups gnomAD compares: Admixed American, 0.02%; no homozygotes.

Submission:

PreventionGenetics, part of Exact Sciences
Classification: Uncertain significance for ARHGEF28-related condition. Last evaluated: 2023-04-04. Review status: criteria provided, single submitter. Criteria: ACMG Guidelines, 2015. Collection method: clinical testing. Allele origin: germline.
Comment: The ARHGEF28 c.4229T>G variant is predicted to result in the amino acid substitution p.Leu1410Arg. To our knowledge, this variant has not been reported in the literature. This variant is reported in 0.011% of alleles in individuals of Latino descent in gnomAD. At this time, the clinical significance of this variant is uncertain due to the absence of conclusive functional and genetic evidence.

NM_001177693.2(ARHGEF28):c.4229T>G (p.Leu1410Arg)

Gene: ARHGEF28 (Rho guanine nucleotide exchange factor 28; plus strand). Cytogenetic location: 5q13.2.
Variant type: single nucleotide variant.
Coding change: c.4229T>G on transcript NM_001177693.2 (MANE Select); coding-DNA position 4229, T replaced by G.
Protein change: p.Leu1410Arg; replaces leucine 1410 with arginine.
Molecular consequence: missense variant.
Genome position (GRCh38, 1-based): chr5:73,909,479, T>G. VCF-style: chr5-73909479-T-G. GRCh37 (hg19) VCF-style: chr5-73205304-T-G.
Other names: c.4229T>G, p.Leu1410Arg (NM_001080479.3, NM_001388078.1); c.3290T>G, p.Leu1097Arg (NM_001244364.2); c.3935T>G, p.Leu1312Arg (NM_001388076.1); short protein forms L1097R, L1312R, L1410R.
Identifiers: ClinVar variation 2629214 (VCV002629214.1), dbSNP rs748926669, ClinGen allele CA3305320.